The following is an entry in ClinVar:

ClinVar aggregate classification (germline): Uncertain significance (1 of 4 stars; one submission).

Allele frequency attached by ClinVar (database versions not stated): gnomAD 0.00001; gnomAD exomes 0.00001; TOPMed 0.00001; ExAC 0.00002.

Submission:

Labcorp Genetics (formerly Invitae), Labcorp
Classification: Uncertain significance. Last evaluated: 2021-06-07. Review status: criteria provided, single submitter. Criteria: Invitae Variant Classification Sherloc (09022015). Collection method: clinical testing. Allele origin: germline.
Comment: In summary, the available evidence is currently insufficient to determine the role of this variant in disease. Therefore, it has been classified as a Variant of Uncertain Significance. Algorithms developed to predict the effect of missense changes on protein structure and function are either unavailable or do not agree on the potential impact of this missense change (SIFT: "Not Available"; PolyPhen-2: "Benign"; Align-GVGD: "Not Available"). This variant has not been reported in the literature in individuals with IDH3B-related conditions. This variant is present in population databases (rs749431942, ExAC 0.003%). This sequence change replaces glycine with aspartic acid at codon 211 of the IDH3B protein (p.Gly211Asp). The glycine residue is weakly conserved and there is a moderate physicochemical difference between glycine and aspartic acid.

NM_006899.5(IDH3B):c.632G>A (p.Gly211Asp)

Gene: IDH3B (isocitrate dehydrogenase (NAD(+)) 3 non-catalytic subunit beta; minus strand). Cytogenetic location: 20p13.
Variant type: single nucleotide variant.
Coding change: c.632G>A on transcript NM_006899.5 (MANE Select); coding-DNA position 632, G replaced by A.
Protein change: p.Gly211Asp; replaces glycine 211 with aspartic acid.
Molecular consequence: missense variant. On other transcripts: non-coding transcript variant (1).
Genome position (GRCh38, 1-based): chr20:2,660,490, C>T on the plus strand (G>A on the coding strand, the complement: IDH3B is on the minus strand). VCF-style: chr20-2660490-C-T. GRCh37 (hg19) VCF-style: chr20-2641136-C-T.
Other names: c.632G>A, p.Gly211Asp (NM_001258384.3, NM_001330763.2, NM_174855.4); short protein forms G211D.
Identifiers: ClinVar variation 1391786 (VCV001391786.6), dbSNP rs749431942, ClinGen allele CA9735228.